The following is an entry in ClinVar:

ClinVar aggregate classification (germline): Uncertain significance (1 of 4 stars; one submission).

Conditions:
Hereditary pheochromocytoma and paraganglioma. Also called: Hereditary Paraganglioma-Pheochromocytoma Syndromes; Hereditary pheochromocytoma-paraganglioma; Hereditary paragangliomas and pheochromocytomas. Identifiers: Orphanet 29072, MedGen C4274332, MONDO:0017366.

Submission:

Labcorp Genetics (formerly Invitae), Labcorp
Classification: Uncertain significance for Hereditary pheochromocytoma and paraganglioma. Last evaluated: 2023-09-17. Review status: criteria provided, single submitter. Criteria: Invitae Variant Classification Sherloc (09022015). Collection method: clinical testing. Allele origin: germline.
Comment: This sequence change replaces alanine, which is neutral and non-polar, with serine, which is neutral and polar, at codon 192 of the TMEM127 protein (p.Ala192Ser). In summary, the available evidence is currently insufficient to determine the role of this variant in disease. Therefore, it has been classified as a Variant of Uncertain Significance. An algorithm developed to predict the effect of missense changes on protein structure and function (PolyPhen-2) suggests that this variant is likely to be disruptive. This variant has not been reported in the literature in individuals affected with TMEM127-related conditions. This variant is not present in population databases (gnomAD no frequency).

NM_017849.4(TMEM127):c.574G>T (p.Ala192Ser)

Gene: TMEM127 (transmembrane protein 127; minus strand). Cytogenetic location: 2q11.2.
Variant type: single nucleotide variant.
Coding change: c.574G>T on transcript NM_017849.4 (MANE Select); coding-DNA position 574, G replaced by T.
Protein change: p.Ala192Ser; replaces alanine 192 with serine.
Molecular consequence: missense variant.
Genome position (GRCh38, 1-based): chr2:96,253,951, C>A on the plus strand (G>T on the coding strand, the complement: TMEM127 is on the minus strand). VCF-style: chr2-96253951-C-A. GRCh37 (hg19) VCF-style: chr2-96919689-C-A.
Other names: c.574G>T, p.Ala192Ser (NM_001193304.3); c.322G>T, p.Ala108Ser (NM_001407282.1, NM_001407283.1); short protein forms A192S, A108S.
Identifiers: ClinVar variation 2761270 (VCV002761270.3), dbSNP rs2104283930, ClinGen allele CA347652271.